The following is an entry in ClinVar:

ClinVar aggregate classification (germline): Likely benign (1 of 4 stars; one submission).

gnomAD v4.1: 11 of 1,611,600 alleles (0.00068%); highest among the groups gnomAD compares: South Asian, 0.0011%; no homozygotes.

Submission:

CeGaT Center for Human Genetics Tuebingen
Classification: Likely benign. Last evaluated: 2025-06-01. Review status: criteria provided, single submitter. Criteria: CeGaT Center For Human Genetics Tuebingen Variant Classification Criteria Version 2. Collection method: clinical testing. Allele origin: germline. Affected: yes. Observed: 1 variant allele.
Comment: PLEKHG2: BP4, BP7

NM_022835.3(PLEKHG2):c.630G>A (p.Pro210=)

Gene: PLEKHG2 (pleckstrin homology and RhoGEF domain containing G2; plus strand). Cytogenetic location: 19q13.2.
Variant type: single nucleotide variant.
Coding change: c.630G>A on transcript NM_022835.3 (MANE Select); coding-DNA position 630, G replaced by A.
Protein change: p.Pro210=; no amino-acid change (proline 210 retained).
Molecular consequence: synonymous variant.
Genome position (GRCh38, 1-based): chr19:39,416,886, G>A. VCF-style: chr19-39416886-G-A. GRCh37 (hg19) VCF-style: chr19-39907526-G-A.
Other names: c.453G>A, p.Pro151= (NM_001351693.2); c.630G>A, p.Pro210= (NM_001351694.2).
Identifiers: ClinVar variation 3905440 (VCV003905440.10).